The following is an entry in ClinVar:

NM_020975.6(RET):c.3310T>C (p.Ser1104Pro)

Gene: RET (ret proto-oncogene; plus strand). Cytogenetic location: 10q11.21.
Variant type: single nucleotide variant.
Coding change: c.3310T>C on transcript NM_020975.6 (MANE Select); coding-DNA position 3310, T replaced by C.
Protein change: p.Ser1104Pro; replaces serine 1104 with proline.
Molecular consequence: missense variant. On other transcripts: 3 prime UTR variant (18), intron variant (3).
Genome position (GRCh38, 1-based): chr10:43,128,234, T>C. VCF-style: chr10-43128234-T-C. GRCh37 (hg19) VCF-style: chr10-43623682-T-C.
Other names: c.3310T>C, p.Ser1104Pro (NM_000323.2, NM_001406743.1); c.*1480T>C (NM_001355216.2, NM_001406768.1, NM_001406770.1 and 15 more transcripts); c.3250T>C, p.Ser1084Pro (NM_001406759.1, NM_001406760.1); c.3181T>C, p.Ser1061Pro (NM_001406761.1, NM_001406762.1); c.3022T>C, p.Ser1008Pro (NM_001406766.1, NM_001406767.1); c.2914T>C, p.Ser972Pro (NM_001406769.1); c.2872T>C, p.Ser958Pro (NM_001406771.1); c.3175T>C, p.Ser1059Pro (NM_001406763.1); and 10 more; short protein forms S601P, S621P, S762P, S958P, S1061P, S1084P, S805P, S842P.
Identifiers: ClinVar variation 2734004 (VCV002734004.4), dbSNP rs1233085587, ClinGen allele CA376559254.

ClinVar aggregate classification (germline): Uncertain significance. Review status: criteria provided, multiple submitters, no conflicts (2 of 4 stars). 2 submissions from 2 submitters: Uncertain significance (2). Last evaluated 2024-06-16.

Conditions:
Hereditary cancer-predisposing syndrome. Also called: Tumor predisposition; Hereditary Cancer Syndrome; Neoplastic Syndromes, Hereditary; Hereditary neoplastic syndrome. Identifiers: Orphanet 140162, MedGen C0027672, MeSH D009386, MONDO:0015356.
Multiple endocrine neoplasia, type 2 (MEN2). Identifiers: Orphanet 653, MedGen C4048306, MONDO:0019003. Disease mechanism: gain of function.

Allele frequency attached by ClinVar (database versions not stated): gnomAD exomes below 0.00001; TOPMed below 0.00001; gnomAD 0.00001.
gnomAD v4.1: 2 of 1,614,090 alleles (0.00012%); highest among the groups gnomAD compares: African/African-American, 0.0027%; no homozygotes.

Submissions (2):

Ambry Genetics
Classification: Uncertain significance for Hereditary cancer-predisposing syndrome. Last evaluated: 2024-06-16. Review status: criteria provided, single submitter. Criteria: Ambry Variant Classification Scheme 2023. Collection method: clinical testing. Allele origin: germline.
Comment: The p.S1104P variant (also known as c.3310T>C), located in coding exon 20 of the RET gene, results from a T to C substitution at nucleotide position 3310. The serine at codon 1104 is replaced by proline, an amino acid with similar properties. This amino acid position is conserved. In addition, the in silico prediction for this alteration is inconclusive. Based on the available evidence, the clinical significance of this variant remains unclear.

Labcorp Genetics (formerly Invitae), Labcorp
Classification: Uncertain significance for Multiple endocrine neoplasia, type 2. Last evaluated: 2023-04-10. Review status: criteria provided, single submitter. Criteria: Invitae Variant Classification Sherloc (09022015). Collection method: clinical testing. Allele origin: germline.
Comment: An algorithm developed to predict the effect of missense changes on protein structure and function (PolyPhen-2) suggests that this variant is likely to be tolerated. This variant has not been reported in the literature in individuals affected with RET-related conditions. This variant is present in population databases (no rsID available, gnomAD 0.007%). This sequence change replaces serine, which is neutral and polar, with proline, which is neutral and non-polar, at codon 1104 of the RET protein (p.Ser1104Pro). In summary, the available evidence is currently insufficient to determine the role of this variant in disease. Therefore, it has been classified as a Variant of Uncertain Significance.